The following is an entry in ClinVar:

NM_001267550.2(TTN):c.81573del (p.Lys27190_Trp27191insTer)

Genes: TTN (titin; minus strand), TTN-AS1 (TTN antisense RNA 1; plus strand). Cytogenetic location: 2q31.2.
Variant type: Deletion.
Coding change: c.81573del on transcript NM_001267550.2 (MANE Select); coding-DNA position 81573, one base deleted (G; older notation c.81573delG).
Protein change: p.Lys27190_Trp27191insTer.
Molecular consequence: nonsense.
Genome position (GRCh38, 1-based): chr2:178,564,559, C deleted on the plus strand (G on the coding strand, the reverse complement: TTN is on the minus strand); the first of 2 consecutive C bases (chr2:178,564,559-178,564,560); deleting either gives the same sequence. VCF-style (leftmost placement, unchanged base first): chr2-178564558-TC-T. GRCh37 (hg19) VCF-style: chr2-179429285-TC-T.
Other names: c.76650del, p.Lys25549_Trp25550insTer (NM_001256850.1); c.54378del, p.Lys18125_Trp18126insTer (NM_003319.4); c.73869del, p.Lys24622_Trp24623insTer (NM_133378.4); c.54753del, p.Lys18250_Trp18251insTer (NM_133432.3); c.54954del, p.Lys18317_Trp18318insTer (NM_133437.4).
Identifiers: ClinVar variation 1505263 (VCV001505263.8), dbSNP rs2154162859, ClinGen allele CA2573134138.

ClinVar aggregate classification (germline): Likely pathogenic (1 of 4 stars; one submission).

Conditions:
Dilated cardiomyopathy 1G (CMD1G). Identifiers: Orphanet 154, MedGen C1858763, MONDO:0011400, OMIM 604145.
Autosomal recessive limb-girdle muscular dystrophy type 2J (LGMDR10). Also called: MUSCULAR DYSTROPHY, LIMB-GIRDLE, AUTOSOMAL RECESSIVE 10; Limb-girdle muscular dystrophy, type 2J. Identifiers: Orphanet 140922, MedGen C1837342, MONDO:0012127, OMIM 608807.

Submission:

Labcorp Genetics (formerly Invitae), Labcorp
Classification: Likely pathogenic for Dilated cardiomyopathy 1G; Autosomal recessive limb-girdle muscular dystrophy type 2J. Last evaluated: 2021-04-12. Review status: criteria provided, single submitter. Criteria: Invitae Variant Classification Sherloc (09022015). Collection method: clinical testing. Allele origin: germline.
Comment: In summary, the currently available evidence indicates that the variant is pathogenic, but additional data are needed to prove that conclusively. Therefore, this variant has been classified as Likely Pathogenic. This variant is located in the A band of TTN (PMID: 25589632). Truncating variants in this region are significantly overrepresented in patients affected with dilated cardiomyopathy (PMID: 25589632). Truncating variants in this region have also been reported in individuals affected with autosomal recessive centronuclear myopathy (PMID: 23975875). This variant has not been reported in the literature in individuals with TTN-related conditions. This variant is not present in population databases (ExAC no frequency). This sequence change creates a premature translational stop signal (p.Trp27191*) in the TTN gene. While this is not anticipated to result in nonsense mediated decay, it is expected to create a truncated TTN protein.

Literature cited by the submitters: PubMed 25589632; PubMed 23975875.